The following is an entry in ClinVar:

ClinVar aggregate classification (germline): Uncertain significance (1 of 4 stars; one submission).

Allele frequency attached by ClinVar (database versions not stated): gnomAD exomes 0.00001.
gnomAD v4.1: 13 of 1,614,178 alleles (0.00081%); highest among the groups gnomAD compares: Non-Finnish European, 0.0011%; no homozygotes.

Submission:

Labcorp Genetics (formerly Invitae), Labcorp
Classification: Uncertain significance. Last evaluated: 2023-05-23. Review status: criteria provided, single submitter. Criteria: Invitae Variant Classification Sherloc (09022015). Collection method: clinical testing. Allele origin: germline.
Comment: This variant is not present in population databases (gnomAD no frequency). This sequence change replaces phenylalanine, which is neutral and non-polar, with serine, which is neutral and polar, at codon 729 of the DUOX2 protein (p.Phe729Ser). This variant has not been reported in the literature in individuals affected with DUOX2-related conditions. In summary, the available evidence is currently insufficient to determine the role of this variant in disease. Therefore, it has been classified as a Variant of Uncertain Significance. Advanced modeling of protein sequence and biophysical properties (such as structural, functional, and spatial information, amino acid conservation, physicochemical variation, residue mobility, and thermodynamic stability) has been performed at Invitae for this missense variant, however the output from this modeling did not meet the statistical confidence thresholds required to predict the impact of this variant on DUOX2 protein function.

NM_001363711.2(DUOX2):c.2186T>C (p.Phe729Ser)

Gene: DUOX2 (dual oxidase 2; minus strand). Cytogenetic location: 15q21.1.
Variant type: single nucleotide variant.
Coding change: c.2186T>C on transcript NM_001363711.2 (MANE Select); coding-DNA position 2186, T replaced by C.
Protein change: p.Phe729Ser; replaces phenylalanine 729 with serine.
Molecular consequence: missense variant.
Genome position (GRCh38, 1-based): chr15:45,105,791, A>G on the plus strand (T>C on the coding strand, the complement: DUOX2 is on the minus strand). VCF-style: chr15-45105791-A-G. GRCh37 (hg19) VCF-style: chr15-45397989-A-G.
Other names: c.2186T>C, p.Phe729Ser (NM_014080.5); short protein forms F729S.
Identifiers: ClinVar variation 2716159 (VCV002716159.3), dbSNP rs2504764959, ClinGen allele CA392271144.